The following is an entry in ClinVar:

NM_198525.3(KIF7):c.2667del (p.Lys890fs)

Gene: KIF7 (kinesin family member 7; minus strand). Cytogenetic location: 15q26.1.
Variant type: Deletion.
Coding change: c.2667del on transcript NM_198525.3 (MANE Select); coding-DNA position 2667, one base deleted (G; older notation c.2667delG).
Protein change: p.Lys890fs; shifts the reading frame from lysine 890.
Molecular consequence: frameshift variant.
Genome position (GRCh38, 1-based): chr15:89,633,192, C deleted on the plus strand (G on the coding strand, the reverse complement: KIF7 is on the minus strand); the first of 2 consecutive C bases (chr15:89,633,192-89,633,193); deleting either gives the same sequence. VCF-style (leftmost placement, unchanged base first): chr15-89633191-TC-T. GRCh37 (hg19) VCF-style: chr15-90176422-TC-T.
Other names: short protein forms K890fs.
Identifiers: ClinVar variation 3252832 (VCV003252832.1), dbSNP rs2505434943.

ClinVar aggregate classification (germline): Likely pathogenic (1 of 4 stars; one submission).

Submission:

GeneDx
Classification: Likely pathogenic. Last evaluated: 2022-07-11. Review status: criteria provided, single submitter. Criteria: GeneDx Variant Classification Process June 2021. Collection method: clinical testing. Allele origin: germline. Affected: yes.
Comment: Frameshift variant predicted to result in protein truncation or nonsense mediated decay in a gene for which loss of function is a known mechanism of disease; Not observed at significant frequency in large population cohorts (gnomAD); Has not been previously published as pathogenic or benign to our knowledge